The following is an entry in ClinVar:

ClinVar aggregate classification (germline): Uncertain significance. Review status: criteria provided, multiple submitters, no conflicts (2 of 4 stars). 2 submissions from 2 submitters: Uncertain significance (2). Last evaluated 2025-06-19.

Conditions:
Inborn genetic diseases. Identifiers: MedGen C0950123, MeSH D030342.
Hereditary spastic paraplegia 7 (SPG7). Also called: SPASTIC PARAPLEGIA 7, AUTOSOMAL RECESSIVE, WITH OR WITHOUT CEREBELLAR ATAXIA; SPG7-related neurologic disorder; Spastic paraplegia 7; Hereditary spastic paraplegia Paraplegin type; Autosomal recessive spastic paraplegia type 7. Identifiers: Orphanet 99013, MedGen C1846564, MONDO:0011803, OMIM 607259.

gnomAD v4.1: 2 of 1,613,246 alleles (0.00012%); highest among the groups gnomAD compares: South Asian, 0.0011%; no homozygotes.

Submissions (2):

Ambry Genetics
Classification: Uncertain significance for Inborn genetic diseases. Last evaluated: 2025-06-19. Review status: criteria provided, single submitter. Criteria: Ambry Variant Classification Scheme 2023. Collection method: clinical testing. Allele origin: germline.

Labcorp Genetics (formerly Invitae), Labcorp
Classification: Uncertain significance for Hereditary spastic paraplegia 7. Last evaluated: 2024-12-26. Review status: criteria provided, single submitter. Criteria: Invitae Variant Classification Sherloc (09022015). Collection method: clinical testing. Allele origin: germline.
Comment: This sequence change replaces aspartic acid, which is acidic and polar, with tyrosine, which is neutral and polar, at codon 135 of the SPG7 protein (p.Asp135Tyr). This variant is not present in population databases (gnomAD no frequency). This variant has not been reported in the literature in individuals affected with SPG7-related conditions. Invitae Evidence Modeling of protein sequence and biophysical properties (such as structural, functional, and spatial information, amino acid conservation, physicochemical variation, residue mobility, and thermodynamic stability) indicates that this missense variant is not expected to disrupt SPG7 protein function with a negative predictive value of 80%. In summary, the available evidence is currently insufficient to determine the role of this variant in disease. Therefore, it has been classified as a Variant of Uncertain Significance.

NM_003119.4(SPG7):c.403G>T (p.Asp135Tyr)

Gene: SPG7 (SPG7 matrix AAA peptidase subunit, paraplegin; plus strand). Cytogenetic location: 16q24.3.
Variant type: single nucleotide variant.
Coding change: c.403G>T on transcript NM_003119.4 (MANE Select); coding-DNA position 403, G replaced by T.
Protein change: p.Asp135Tyr; replaces aspartic acid 135 with tyrosine.
Molecular consequence: missense variant.
Genome position (GRCh38, 1-based): chr16:89,524,032, G>T. VCF-style: chr16-89524032-G-T. GRCh37 (hg19) VCF-style: chr16-89590440-G-T.
Other names: c.403G>T (NM_003119.2); c.403G>T, p.Asp135Tyr (NM_001363850.1, NM_199367.3); short protein forms D135Y.
Identifiers: ClinVar variation 3695804 (VCV003695804.3).